The following is an entry in ClinVar:

NM_001369268.1(ACAN):c.5620G>T (p.Val1874Phe)

Gene: ACAN (aggrecan; plus strand). Cytogenetic location: 15q26.1.
Variant type: single nucleotide variant.
Coding change: c.5620G>T on transcript NM_001369268.1 (MANE Select); coding-DNA position 5620, G replaced by T.
Protein change: p.Val1874Phe; replaces valine 1874 with phenylalanine.
Molecular consequence: missense variant.
Genome position (GRCh38, 1-based): chr15:88,858,205, G>T. VCF-style: chr15-88858205-G-T. GRCh37 (hg19) VCF-style: chr15-89401436-G-T.
Other names: c.5620G>T, p.Val1874Phe (NM_001135.4, NM_001411096.1, NM_001411097.1 and 1 more transcripts); short protein forms V1874F.
Identifiers: ClinVar variation 5009228 (VCV005009228.1).

ClinVar aggregate classification (germline): Uncertain significance (1 of 4 stars; one submission).

gnomAD v4.1: 2 of 1,613,978 alleles (0.00012%); highest among the groups gnomAD compares: African/African-American, 0.0027%; no homozygotes.

Submission:

GeneDx
Classification: Uncertain significance. Last evaluated: 2026-02-14. Review status: criteria provided, single submitter. Criteria: GeneDx Variant Classification Process June 2021. Collection method: clinical testing. Allele origin: germline.
Comment: Not observed at significant frequency in large population cohorts (gnomAD); In silico analysis supports that this missense variant has a deleterious effect on protein structure/function; Has not been previously published as pathogenic or benign to our knowledge